The following is an entry in ClinVar:

NM_130468.4(CHST14):c.158C>A (p.Ser53Tyr)

Genes: CHST14 (carbohydrate sulfotransferase 14; plus strand), LOC130056851 (ATAC-STARR-seq lymphoblastoid silent region 6336; plus strand). Cytogenetic location: 15q15.1.
Variant type: single nucleotide variant.
Coding change: c.158C>A on transcript NM_130468.4 (MANE Select); coding-DNA position 158, C replaced by A.
Protein change: p.Ser53Tyr; replaces serine 53 with tyrosine.
Molecular consequence: missense variant.
Genome position (GRCh38, 1-based): chr15:40,471,371, C>A. VCF-style: chr15-40471371-C-A. GRCh37 (hg19) VCF-style: chr15-40763570-C-A.
Other names: short protein forms S53Y.
Identifiers: ClinVar variation 641726 (VCV000641726.1), dbSNP rs896003662, ClinGen allele CA268822149.

ClinVar aggregate classification (germline): Uncertain significance (1 of 4 stars; one submission).

Conditions:
Ehlers-Danlos syndrome, musculocontractural type (EDSMC). Also called: ADDUCTED THUMB-CLUBFOOT SYNDROME; ARTHROGRYPOSIS, DISTAL, WITH PECULIAR FACIES AND HYDRONEPHROSIS; Adducted thumb, clubfoot, progressive joint and skin laxity syndrome; DUNDAR SYNDROME. Identifiers: Orphanet 2953, MedGen C1866294, MONDO:0011142.

Allele frequency attached by ClinVar (database versions not stated): gnomAD 0.00001; gnomAD exomes 0.00001; TOPMed 0.00001.
gnomAD v4.1: 8 of 1,556,100 alleles (0.00051%); highest among the groups gnomAD compares: Non-Finnish European, 0.00069%; no homozygotes.

Submission:

Labcorp Genetics (formerly Invitae), Labcorp
Classification: Uncertain significance for Ehlers-Danlos syndrome, musculocontractural type. Last evaluated: 2018-09-06. Review status: criteria provided, single submitter. Criteria: Invitae Variant Classification Sherloc (09022015). Collection method: clinical testing. Allele origin: germline.
Comment: This sequence change replaces serine with tyrosine at codon 53 of the CHST14 protein (p.Ser53Tyr). The serine residue is highly conserved and there is a large physicochemical difference between serine and tyrosine. The frequency data for this variant in the population databases is considered unreliable, as metrics indicate insufficient coverage at this position in the ExAC database. This variant has not been reported in the literature in individuals with CHST14-related disease. Algorithms developed to predict the effect of missense changes on protein structure and function are either unavailable or do not agree on the potential impact of this missense change (SIFT: "Deleterious"; PolyPhen-2: "Probably Damaging"; Align-GVGD: "Class C15"). In summary, the available evidence is currently insufficient to determine the role of this variant in disease. Therefore, it has been classified as a Variant of Uncertain Significance.